The following is an entry in ClinVar:

ClinVar aggregate classification (germline): Uncertain significance (1 of 4 stars; one submission).

Allele frequency attached by ClinVar (database versions not stated): gnomAD exomes below 0.00001 and 0.00001; ExAC 0.00001.
gnomAD v4.1: 1 of 1,613,090 alleles (0.000062%); highest among the groups gnomAD compares: Non-Finnish European, 0.000085%; no homozygotes.

Submission:

Labcorp Genetics (formerly Invitae), Labcorp
Classification: Uncertain significance. Last evaluated: 2020-02-21. Review status: criteria provided, single submitter. Criteria: Invitae Variant Classification Sherloc (09022015). Collection method: clinical testing. Allele origin: germline.
Comment: In summary, the available evidence is currently insufficient to determine the role of this variant in disease. Therefore, it has been classified as a Variant of Uncertain Significance. Algorithms developed to predict the effect of sequence changes on RNA splicing suggest that this variant may disrupt the consensus splice site, but this prediction has not been confirmed by published transcriptional studies. This variant has not been reported in the literature in individuals with SZT2-related conditions. This variant is present in population databases (rs765642109, ExAC 0.002%). This sequence change falls in intron 65 of the SZT2 gene. It does not directly change the encoded amino acid sequence of the SZT2 protein.

NM_001365999.1(SZT2):c.9287-10T>G

Gene: SZT2 (SZT2 subunit of KICSTOR complex; plus strand). Cytogenetic location: 1p34.2.
Variant type: single nucleotide variant.
Coding change: c.9287-10T>G on transcript NM_001365999.1 (MANE Select); 10 bases into the intron before coding-DNA position 9287, T replaced by G.
Molecular consequence: intron variant.
Genome position (GRCh38, 1-based): chr1:43,447,535, T>G. VCF-style: chr1-43447535-T-G. GRCh37 (hg19) VCF-style: chr1-43913206-T-G.
Other names: c.9116-10T>G (NM_015284.4).
Identifiers: ClinVar variation 1007703 (VCV001007703.9), dbSNP rs765642109, ClinGen allele CA810874.